The following is an entry in ClinVar:

ClinVar aggregate classification (germline): Uncertain significance (1 of 4 stars; one submission).

Conditions:
Spastic paraplegia. Identifiers: MedGen C0037772, HP:0001258.

Submission:

Labcorp Genetics (formerly Invitae), Labcorp
Classification: Uncertain significance for Spastic paraplegia. Last evaluated: 2022-09-23. Review status: criteria provided, single submitter. Criteria: Invitae Variant Classification Sherloc (09022015). Collection method: clinical testing. Allele origin: germline.
Comment: In summary, the available evidence is currently insufficient to determine the role of this variant in disease. Therefore, it has been classified as a Variant of Uncertain Significance. Advanced modeling of protein sequence and biophysical properties (such as structural, functional, and spatial information, amino acid conservation, physicochemical variation, residue mobility, and thermodynamic stability) performed at Invitae indicates that this missense variant is not expected to disrupt KIF5A protein function. This variant has not been reported in the literature in individuals affected with KIF5A-related conditions. This variant is not present in population databases (gnomAD no frequency). This sequence change replaces alanine, which is neutral and non-polar, with glycine, which is neutral and non-polar, at codon 361 of the KIF5A protein (p.Ala361Gly).

NM_004984.4(KIF5A):c.1082C>G (p.Ala361Gly)

Gene: KIF5A (kinesin family member 5A; plus strand). Cytogenetic location: 12q13.3.
Variant type: single nucleotide variant.
Coding change: c.1082C>G on transcript NM_004984.4 (MANE Select); coding-DNA position 1082, C replaced by G.
Protein change: p.Ala361Gly; replaces alanine 361 with glycine.
Molecular consequence: missense variant.
Genome position (GRCh38, 1-based): chr12:57,569,648, C>G. VCF-style: chr12-57569648-C-G. GRCh37 (hg19) VCF-style: chr12-57963431-C-G.
Other names: c.815C>G, p.Ala272Gly (NM_001354705.2); short protein forms A361G, A272G.
Identifiers: ClinVar variation 2143723 (VCV002143723.4), dbSNP rs121434444, ClinGen allele CA385503025.